The following is an entry in ClinVar:

NM_001282531.3(ADNP):c.2644T>G (p.Leu882Val)

Gene: ADNP (activity dependent neuroprotector homeobox; minus strand). Cytogenetic location: 20q13.13.
Variant type: single nucleotide variant.
Coding change: c.2644T>G on transcript NM_001282531.3 (MANE Select); coding-DNA position 2644, T replaced by G.
Protein change: p.Leu882Val; replaces leucine 882 with valine.
Molecular consequence: missense variant.
Genome position (GRCh38, 1-based): chr20:50,892,070, A>C on the plus strand (T>G on the coding strand, the complement: ADNP is on the minus strand). VCF-style: chr20-50892070-A-C. GRCh37 (hg19) VCF-style: chr20-49508607-A-C.
Other names: c.2644T>G, p.Leu882Val (NM_001282532.2, NM_001347511.2, NM_015339.5 and 1 more transcripts); short protein forms L882V.
Identifiers: ClinVar variation 2002275 (VCV002002275.4), dbSNP rs1307750281, ClinGen allele CA408968513.

ClinVar aggregate classification (germline): Uncertain significance (1 of 4 stars; one submission).

Allele frequency attached by ClinVar (database versions not stated): gnomAD exomes below 0.00001; TOPMed below 0.00001.
gnomAD v4.1: 1 of 1,614,104 alleles (0.000062%); highest among the groups gnomAD compares: Admixed American, 0.0017%; no homozygotes.

Submission:

Labcorp Genetics (formerly Invitae), Labcorp
Classification: Uncertain significance. Last evaluated: 2025-11-10. Review status: criteria provided, single submitter. Criteria: Invitae Variant Classification Sherloc (09022015). Collection method: clinical testing. Allele origin: germline.
Comment: This sequence change replaces leucine, which is neutral and non-polar, with valine, which is neutral and non-polar, at codon 882 of the ADNP protein (p.Leu882Val). This variant is present in population databases (no rsID available, gnomAD 0.003%). This missense change has been observed in individual(s) with clinical features of Helsmoortel-van der Aa syndrome (internal data). ClinVar contains an entry for this variant (Variation ID: 2002275). An algorithm developed to predict the effect of missense changes on protein structure and function (PolyPhen-2) suggests that this variant is likely to be tolerated. In summary, the available evidence is currently insufficient to determine the role of this variant in disease. Therefore, it has been classified as a Variant of Uncertain Significance.